The following is an entry in ClinVar:

NM_004984.4(KIF5A):c.3054C>G (p.Asp1018Glu)

Gene: KIF5A (kinesin family member 5A; plus strand). Cytogenetic location: 12q13.3.
Variant type: single nucleotide variant.
Coding change: c.3054C>G on transcript NM_004984.4 (MANE Select); coding-DNA position 3054, C replaced by G.
Protein change: p.Asp1018Glu; replaces aspartic acid 1018 with glutamic acid.
Molecular consequence: missense variant.
Genome position (GRCh38, 1-based): chr12:57,583,134, C>G. VCF-style: chr12-57583134-C-G. GRCh37 (hg19) VCF-style: chr12-57976917-C-G.
Other names: c.2787C>G, p.Asp929Glu (NM_001354705.2); short protein forms D1018E, D929E.
Identifiers: ClinVar variation 3615471 (VCV003615471.2).
Genomic context (GRCh38, chr12:57,583,134, plus strand): 5'-CTGATCATGGTGGGTCTCTTCCTCCAGGAGTGACCTGCCGTGTGGCTATGAGGCTGAGGA[C>G]CAGGCCAAGCTTTTCCCTCTCCACCAAGAGACAGCAGCCAGCTAATCTCCCACACCCACG-3'
Protein context (NP_004975.2, residues 1008-1028): SDLPCGYEAE[Asp1018Glu]QAKLFPLHQE

ClinVar aggregate classification (germline): Uncertain significance (1 of 4 stars; one submission).

Conditions:
Spastic paraplegia. Identifiers: MedGen C0037772, HP:0001258.

gnomAD v4.1: 2 of 1,614,022 alleles (0.00012%); highest among the groups gnomAD compares: Non-Finnish European, 0.000085%; no homozygotes.

Submission:

Labcorp Genetics (formerly Invitae), Labcorp
Classification: Uncertain significance for Spastic paraplegia. Last evaluated: 2024-10-23. Review status: criteria provided, single submitter. Criteria: Invitae Variant Classification Sherloc (09022015). Collection method: clinical testing. Allele origin: germline.
Comment: This sequence change replaces aspartic acid, which is acidic and polar, with glutamic acid, which is acidic and polar, at codon 1018 of the KIF5A protein (p.Asp1018Glu). This variant is not present in population databases (gnomAD no frequency). This variant has not been reported in the literature in individuals affected with KIF5A-related conditions. Invitae Evidence Modeling of protein sequence and biophysical properties (such as structural, functional, and spatial information, amino acid conservation, physicochemical variation, residue mobility, and thermodynamic stability) indicates that this missense variant is not expected to disrupt KIF5A protein function with a negative predictive value of 95%. In summary, the available evidence is currently insufficient to determine the role of this variant in disease. Therefore, it has been classified as a Variant of Uncertain Significance.